The following is an entry in ClinVar:

ClinVar aggregate classification (germline): Uncertain significance. Review status: criteria provided, multiple submitters, no conflicts (2 of 4 stars). 2 submissions from 2 submitters: Uncertain significance (2). Last evaluated 2023-11-30.

Conditions:
Long QT syndrome (LQTS). Identifiers: MedGen C0023976, MeSH D008133, MONDO:0002442. Disease mechanism: loss of function. Inheritance: Various modes of inheritance.
Cardiovascular phenotype. Identifiers: MedGen CN230736.

Allele frequency attached by ClinVar (database versions not stated): TOPMed below 0.00001; gnomAD 0.00001; ExAC 0.00003; 1000 Genomes Project 30x 0.00016; 1000 Genomes Project 0.00020.
gnomAD v4.1: 1 of 1,583,890 alleles (0.000063%); highest among the groups gnomAD compares: South Asian, 0.0011%; no homozygotes.

Submissions (2):

All of Us Research Program, National Institutes of Health
Classification: Uncertain significance for Long QT syndrome. Last evaluated: 2023-11-30. Review status: criteria provided, single submitter. Criteria: ACMG Guidelines, 2015. Collection method: clinical testing. Allele origin: germline. Inheritance: Autosomal dominant inheritance. Observed: 1 variant allele, 1 heterozygote.
Comment: This study involves interpretation of variants in research participants for the purpose of population health screening. Participant phenotype was not available at the time of variant classification. Additional details can be found in publication PMID: 35346344, PMCID: PMC8962531

Ambry Genetics
Classification: Uncertain significance for Cardiovascular phenotype. Last evaluated: 2022-08-09. Review status: criteria provided, single submitter. Criteria: Ambry Variant Classification Scheme 2023. Collection method: clinical testing. Allele origin: germline.
Comment: The p.P641L variant (also known as c.1922C>T), located in coding exon 16 of the KCNQ1 gene, results from a C to T substitution at nucleotide position 1922. The proline at codon 641 is replaced by leucine, an amino acid with similar properties. This alteration has been reported in a long QT syndrome cohort and an epilepsy cohort; however, clinical details were limited in both cases (Hedley PL et al. Hum Mutat, 2009 Nov;30:1486-511; Li X et al. Ann Hum Genet, 2020 03;84:161-168). This amino acid position is well conserved in available vertebrate species. In addition, the in silico prediction for this alteration is inconclusive. Since supporting evidence is limited at this time, the clinical significance of this alteration remains unclear.

Literature cited by the submitters: PubMed 19862833 (cited by Ambry Genetics); PubMed 31696929 (cited by Ambry Genetics).

NM_000218.3(KCNQ1):c.1922C>T (p.Pro641Leu)

Genes: KCNQ1 (potassium voltage-gated channel subfamily Q member 1; plus strand), KCNQ1-AS1 (KCNQ1 antisense RNA 1; minus strand). Cytogenetic location: 11p15.4.
Variant type: single nucleotide variant.
Coding change: c.1922C>T on transcript NM_000218.3 (MANE Select); coding-DNA position 1922, C replaced by T.
Protein change: p.Pro641Leu; replaces proline 641 with leucine.
Molecular consequence: missense variant.
Genome position (GRCh38, 1-based): chr11:2,847,894, C>T. VCF-style: chr11-2847894-C-T. GRCh37 (hg19) VCF-style: chr11-2869124-C-T.
Other names: c.1826C>T, p.Pro609Leu (NM_001406836.1); c.1652C>T, p.Pro551Leu (NM_001406837.1); c.1382C>T, p.Pro461Leu (NM_001406838.1); c.434C>T, p.Pro145Leu (NM_001406839.1); c.1541C>T, p.Pro514Leu (NM_181798.2); short protein forms P461L, P609L, P145L, P514L, P641L, P551L.
Identifiers: ClinVar variation 1782709 (VCV001782709.3), dbSNP rs561780070, ClinGen allele CA033707.